The following is an entry in ClinVar:

NM_005006.7(NDUFS1):c.*457T>A

Gene: NDUFS1 (NADH:ubiquinone oxidoreductase core subunit S1; minus strand). Cytogenetic location: 2q33.3.
Variant type: single nucleotide variant.
Coding change: c.*457T>A on transcript NM_005006.7 (MANE Select); 457 bases downstream of the stop codon, T replaced by A.
Molecular consequence: 3 prime UTR variant.
Genome position (GRCh38, 1-based): chr2:206,123,728, A>T on the plus strand (T>A on the coding strand, the complement: NDUFS1 is on the minus strand). VCF-style: chr2-206123728-A-T. GRCh37 (hg19) VCF-style: chr2-206988452-A-T.
Other names: c.*457T>A (NM_001199981.2, NM_001199982.2, NM_001199983.2 and 1 more transcripts).
Identifiers: ClinVar variation 333771 (VCV000333771.7), dbSNP rs4147728, ClinGen allele CA10613696.

ClinVar aggregate classification (germline): Benign. Review status: criteria provided, multiple submitters, no conflicts (2 of 4 stars). 4 submissions from 3 submitters: Benign (4). Last evaluated 2021-05-13.

Conditions:
Leigh syndrome (NULS). Also called: Leigh's syndrome; Leigh Syndrome (mtDNA deletion); Leigh Disease; Leigh's necrotizing encephalopathy; Leigh's disease; Subacute necrotizing encephalopathy. Identifiers: Orphanet 506, MedGen C2931891, MONDO:0009723, OMIM 256000.
Mitochondrial complex I deficiency, nuclear type 1. Also called: NADH-COENZYME Q REDUCTASE DEFICIENCY; MITOCHONDRIAL NADH DEHYDROGENASE COMPONENT OF COMPLEX I, DEFICIENCY OF. Identifiers: MedGen C6022305, MONDO:0100224, OMIM 252010.

Allele frequency attached by ClinVar (database versions not stated): gnomAD exomes 0.05941; TOPMed 0.06206; 1000 Genomes Project 0.07947.

Submissions (4):

GeneDx
Classification: Benign. Last evaluated: 2021-05-13. Review status: criteria provided, single submitter. Criteria: GeneDx Variant Classification Process June 2021. Collection method: clinical testing. Allele origin: germline. Affected: yes.

Illumina Laboratory Services, Illumina
Classification: Benign for Leigh syndrome. Last evaluated: 2018-01-12. Review status: criteria provided, single submitter. Criteria: ICSL Variant Classification Criteria 13 December 2019. Collection method: clinical testing. Allele origin: germline.
Comment: This variant was observed in the ICSL laboratory as part of a predisposition screen in an ostensibly healthy population. It had not been previously curated by ICSL or reported in the Human Gene Mutation Database (HGMD: prior to June 1st, 2018), and was therefore a candidate for classification through an automated scoring system. Utilizing variant allele frequency, disease prevalence and penetrance estimates, and inheritance mode, an automated score was calculated to assess if this variant is too frequent to cause the disease. Based on the score and internal cut-off values, a variant classified as benign is not then subjected to further curation. The score for this variant resulted in a classification of benign for this disease.

Illumina Laboratory Services, Illumina
Classification: Benign for Mitochondrial complex I deficiency, nuclear type 1. Last evaluated: 2018-01-12. Review status: criteria provided, single submitter. Criteria: ICSL Variant Classification Criteria 13 December 2019. Collection method: clinical testing. Allele origin: germline.
Comment: the same text as in the submission from Illumina Laboratory Services, Illumina above.

Breakthrough Genomics
Classification: Benign. Review status: criteria provided, single submitter. Criteria: ACMG Guidelines, 2015. Collection method: not provided. Allele origin: germline. Inheritance: Autosomal recessive inheritance. Affected: yes.